The following is an entry in ClinVar:

ClinVar aggregate classification (germline): Conflicting classifications of pathogenicity. Review status: criteria provided, conflicting classifications (1 of 4 stars). 3 submissions from 3 submitters: Uncertain significance (2); Likely benign (1). Last evaluated 2024-02-11.

Conditions:
Hereditary cancer-predisposing syndrome. Also called: Hereditary Cancer Syndrome; Neoplastic Syndromes, Hereditary; Tumor predisposition; Hereditary neoplastic syndrome. Identifiers: Orphanet 140162, MedGen C0027672, MeSH D009386, MONDO:0015356.
Gorlin syndrome. Also called: Basal cell nevus syndrome; Nevoid Basal Cell Carcinoma Syndrome. Identifiers: Orphanet 377, MedGen C0004779, MONDO:0007187.

Allele frequency attached by ClinVar (database versions not stated): gnomAD exomes below 0.00001 and 0.00001.
gnomAD v4.1: 4 of 1,614,172 alleles (0.00025%); highest among the groups gnomAD compares: Middle Eastern, 0.016%; no homozygotes.

Submissions (3):

Labcorp Genetics (formerly Invitae), Labcorp
Classification: Uncertain significance for Gorlin syndrome. Last evaluated: 2024-02-11. Review status: criteria provided, single submitter. Criteria: Invitae Variant Classification Sherloc (09022015). Collection method: clinical testing. Allele origin: germline.
Comment: This sequence change replaces glycine, which is neutral and non-polar, with aspartic acid, which is acidic and polar, at codon 1400 of the PTCH1 protein (p.Gly1400Asp). This variant is present in population databases (rs786204094, gnomAD 0.002%). This variant has not been reported in the literature in individuals affected with PTCH1-related conditions. ClinVar contains an entry for this variant (Variation ID: 188135). Advanced modeling of protein sequence and biophysical properties (such as structural, functional, and spatial information, amino acid conservation, physicochemical variation, residue mobility, and thermodynamic stability) performed at Invitae indicates that this missense variant is not expected to disrupt PTCH1 protein function with a negative predictive value of 95%. In summary, the available evidence is currently insufficient to determine the role of this variant in disease. Therefore, it has been classified as a Variant of Uncertain Significance.

GeneDx
Classification: Uncertain significance. Last evaluated: 2023-02-17. Review status: criteria provided, single submitter. Criteria: GeneDx Variant Classification Process June 2021. Collection method: clinical testing. Allele origin: germline. Affected: yes.
Comment: Not observed at significant frequency in large population cohorts (gnomAD); In silico analysis supports that this missense variant does not alter protein structure/function; Has not been previously published as pathogenic or benign to our knowledge

Ambry Genetics
Classification: Likely benign for Hereditary cancer-predisposing syndrome. Last evaluated: 2023-01-19. Review status: criteria provided, single submitter. Criteria: Ambry Variant Classification Scheme 2023. Collection method: clinical testing. Allele origin: germline.

NM_000264.5(PTCH1):c.4199G>A (p.Gly1400Asp)

Gene: PTCH1 (patched 1; minus strand). Cytogenetic location: 9q22.32.
Variant type: single nucleotide variant.
Coding change: c.4199G>A on transcript NM_000264.5 (MANE Select); coding-DNA position 4199, G replaced by A.
Protein change: p.Gly1400Asp; replaces glycine 1400 with aspartic acid.
Molecular consequence: missense variant. On other transcripts: non-coding transcript variant (1).
Genome position (GRCh38, 1-based): chr9:95,447,057, C>T on the plus strand (G>A on the coding strand, the complement: PTCH1 is on the minus strand). VCF-style: chr9-95447057-C-T. GRCh37 (hg19) VCF-style: chr9-98209339-C-T.
Other names: c.4001G>A, p.Gly1334Asp (NM_001083602.3); c.4196G>A, p.Gly1399Asp (NM_001083603.3); c.3746G>A, p.Gly1249Asp (NM_001083604.3, NM_001083605.3, NM_001083606.3 and 1 more transcripts); c.4043G>A, p.Gly1348Asp (NM_001354918.2); short protein forms G1334D, G1400D, G1348D, G1249D, G1399D.
Identifiers: ClinVar variation 188135 (VCV000188135.13), dbSNP rs786204094, ClinGen allele CA334134.